The following is an entry in ClinVar:

NM_000059.4(BRCA2):c.1598C>T (p.Thr533Ile)

Gene: BRCA2 (BRCA2 DNA repair associated; plus strand). Cytogenetic location: 13q13.1.
Variant type: single nucleotide variant.
Coding change: c.1598C>T on transcript NM_000059.4 (MANE Select); coding-DNA position 1598, C replaced by T.
Protein change: p.Thr533Ile; replaces threonine 533 with isoleucine.
Molecular consequence: missense variant.
Genome position (GRCh38, 1-based): chr13:32,333,076, C>T. VCF-style: chr13-32333076-C-T. GRCh37 (hg19) VCF-style: chr13-32907213-C-T.
Other names: short protein forms T533I.
Identifiers: ClinVar variation 187157 (VCV000187157.29), dbSNP rs781763239, ClinGen allele CA012581.

ClinVar aggregate classification (germline): Conflicting classifications of pathogenicity. Review status: criteria provided, conflicting classifications (1 of 4 stars). 11 submissions from 11 submitters: Uncertain significance (8); Likely benign (2). 1 of the submissions does not count toward it. Last evaluated 2025-12-01.

Conditions:
BRCA2-related cancer predisposition. Identifiers: MedGen CN377758, MONDO:0700269.
Hereditary cancer-predisposing syndrome. Also called: Hereditary Cancer Syndrome; Neoplastic Syndromes, Hereditary; Tumor predisposition; Hereditary neoplastic syndrome. Identifiers: Orphanet 140162, MedGen C0027672, MeSH D009386, MONDO:0015356.
Hereditary breast ovarian cancer syndrome. Also called: Hereditary breast and ovarian cancer; Hereditary breast and ovarian cancer syndrome; Breast and ovarian cancer; Hereditary breast and ovarian cancer syndrome (HBOC); Hereditary breast and/or ovarian cancer syndrome; BRCA1- and BRCA2-Associated Hereditary Breast and Ovarian Cancer. Identifiers: Orphanet 145, MedGen C0677776, MeSH D061325, MONDO:0003582. Disease mechanism: loss of function.
Breast-ovarian cancer, familial, susceptibility to, 2 (BROVCA2). Also called: BRCA2 Hereditary Breast and Ovarian Cancer. Identifiers: Orphanet 145, MedGen C2675520, MONDO:0012933, OMIM 612555. Disease mechanism: loss of function.

Allele frequency attached by ClinVar (database versions not stated): gnomAD exomes below 0.00001 and 0.00001; ExAC 0.00002.
gnomAD v4.1: 4 of 1,611,584 alleles (0.00025%); highest among the groups gnomAD compares: Admixed American, 0.005%; no homozygotes.

Submissions (11):

Labcorp Genetics (formerly Invitae), Labcorp
Classification: Uncertain significance for Hereditary breast ovarian cancer syndrome. Last evaluated: 2025-12-01. Review status: criteria provided, single submitter. Criteria: Invitae Variant Classification Sherloc (09022015). Collection method: clinical testing. Allele origin: germline.
Comment: This sequence change replaces threonine, which is neutral and polar, with isoleucine, which is neutral and non-polar, at codon 533 of the BRCA2 protein (p.Thr533Ile). This variant is present in population databases (rs781763239, gnomAD 0.003%). This variant has not been reported in the literature in individuals affected with BRCA2-related conditions. ClinVar contains an entry for this variant (Variation ID: 187157). Invitae Evidence Modeling of protein sequence and biophysical properties (such as structural, functional, and spatial information, amino acid conservation, physicochemical variation, residue mobility, and thermodynamic stability) indicates that this missense variant is not expected to disrupt BRCA2 protein function with a negative predictive value of 95%. In summary, the available evidence is currently insufficient to determine the role of this variant in disease. Therefore, it has been classified as a Variant of Uncertain Significance.

All of Us Research Program, National Institutes of Health
Classification: Uncertain significance for BRCA2-related cancer predisposition. Last evaluated: 2024-04-10. Review status: criteria provided, single submitter. Criteria: ACMG Guidelines, 2015. Collection method: clinical testing. Allele origin: germline. Inheritance: Autosomal dominant inheritance. Observed: 4 variant alleles, 4 heterozygotes.
Comment: This missense variant replaces threonine with isoleucine at codon 533 of the BRCA2 protein. Computational prediction suggests that this variant may not impact protein structure and function (internally defined REVEL score threshold <= 0.5, PMID: 27666373). To our knowledge, functional studies have not been reported for this variant. This variant has not been reported in individuals affected with hereditary cancer in the literature. This variant has been identified in 2/248568 chromosomes in the general population by the Genome Aggregation Database (gnomAD). The available evidence is insufficient to determine the role of this variant in disease conclusively. Therefore, this variant is classified as a Variant of Uncertain Significance.

This study involves interpretation of variants in research participants for the purpose of population health screening. Participant phenotype was not available at the time of variant classification. Additional details can be found in publication PMID: 35346344, PMCID: PMC8962531

Ambry Genetics
Classification: Likely benign for Hereditary cancer-predisposing syndrome. Last evaluated: 2024-02-05. Review status: criteria provided, single submitter. Criteria: Ambry Variant Classification Scheme 2023. Collection method: clinical testing. Allele origin: germline.

University of Washington Department of Laboratory Medicine, University of Washington
Classification: Likely benign for Hereditary cancer-predisposing syndrome. Last evaluated: 2023-03-23. Review status: criteria provided, single submitter. Criteria: Dines et al. (Genet Med. 2020). Collection method: curation. Allele origin: germline.
Comment: Missense variant in a coldspot region where missense variants are very unlikely to be pathogenic (PMID:31911673).

BRCA2 exon 10 coldspot. Reclassification based on statistical prior probability.

GeneDx
Classification: Uncertain significance. Last evaluated: 2023-03-17. Review status: criteria provided, single submitter. Criteria: GeneDx Variant Classification Process June 2021. Collection method: clinical testing. Allele origin: germline. Affected: yes.
Comment: Not observed at a significant frequency in large population cohorts (gnomAD); In silico analysis supports that this missense variant does not alter protein structure/function; Has not been previously published as pathogenic or benign to our knowledge; Also known as 1826C>T; This variant is associated with the following publications: (PMID: 32377563, 33087175, 29884841)

Sema4
Classification: Uncertain significance for Hereditary cancer-predisposing syndrome. Last evaluated: 2022-01-04. Review status: criteria provided, single submitter. Criteria: Sema4 Curation Guidelines. Collection method: curation. Allele origin: germline.
Comment: The BRCA2 c.1598C>T (p.T533I) variant has been reported in heterozygosity in at least one individual with meningioma (PMID: 33087175). It was observed in 1/34034 chromosomes in the Latino/Admixed American subpopulation in the Genome Aggregation Database (PMID: 32461654). This variant has been reported in ClinVar (Variation ID: 187157). Functional studies have not been performed, and in silico predictions of the variant's effect on protein function are inconclusive. The evidence is insufficient to meet ACMG/AMP criteria for classifying the variant as benign or pathogenic. Thus, the clinical significance of this variant is currently uncertain.

Genetic Services Laboratory, University of Chicago
Classification: Uncertain significance. Last evaluated: 2021-06-25. Review status: criteria provided, single submitter. Criteria: ACMG Guidelines, 2015. Collection method: clinical testing. Allele origin: germline. Affected: no.
Comment: DNA sequence analysis of the BRCA2 gene demonstrated a sequence change, c.1598C>T, in exon 10 that results in an amino acid change, p.Thr533Ile. This sequence change has been described in gnomAD with a frequency of 0.0029% in the Latino sub-population (dbSNP rs781763239). The p.Thr533Ile change affects a poorly conserved amino acid residue located in a domain of the BRCA2 protein that is known to be functional. The p.Thr533Ile substitution appears to be tolerated using several in-silico pathogenicity prediction tools (SIFT, PolyPhen2, Align GVGD, REVEL). This sequence change does not appear to have been previously described in patients with BRCA2-related. Due to the lack of sufficient evidences, the clinical significance of the p.Thr533Ile change remains unknown at this time.

Color Diagnostics, LLC DBA Color Health
Classification: Uncertain significance for Hereditary cancer-predisposing syndrome. Last evaluated: 2020-05-11. Review status: criteria provided, single submitter. Criteria: ACMG Guidelines, 2015. Collection method: clinical testing. Allele origin: germline.
Comment: This missense variant replaces threonine with isoleucine at codon 533 of the BRCA2 protein. Computational prediction suggests that this variant may not impact protein structure and function (internally defined REVEL score threshold <= 0.5, PMID: 27666373). To our knowledge, functional studies have not been reported for this variant. This variant has not been reported in individuals affected with hereditary cancer in the literature. This variant has been identified in 2/248568 chromosomes in the general population by the Genome Aggregation Database (gnomAD). The available evidence is insufficient to determine the role of this variant in disease conclusively. Therefore, this variant is classified as a Variant of Uncertain Significance.

Quest Diagnostics Nichols Institute San Juan Capistrano
Classification: Uncertain significance. Last evaluated: 2017-11-30. Review status: criteria provided, single submitter. Criteria: Quest Diagnostics criteria. Collection method: clinical testing. Allele origin: germline.

Women's Health and Genetics/Laboratory Corporation of America, LabCorp
Classification: Uncertain significance. Last evaluated: 2016-10-18. Review status: criteria provided, single submitter. Criteria: LabCorp Variant Classification Summary - May 2015. Collection method: clinical testing. Allele origin: germline.

Counsyl
Classification: Uncertain significance for Breast-ovarian cancer, familial, susceptibility to, 2. Last evaluated: 2018-02-16. Review status: no assertion criteria provided. Collection method: clinical testing. Allele origin: unknown. Not counted in ClinVar's aggregate classification.

Literature cited by the submitters: PubMed 33087175 (cited by Sema4).